The following is an entry in ClinVar:

NM_005502.4(ABCA1):c.4373A>G (p.Asn1458Ser)

Gene: ABCA1 (ATP binding cassette subfamily A member 1; minus strand). Cytogenetic location: 9q31.1.
Variant type: single nucleotide variant.
Coding change: c.4373A>G on transcript NM_005502.4 (MANE Select); coding-DNA position 4373, A replaced by G.
Protein change: p.Asn1458Ser; replaces asparagine 1458 with serine.
Molecular consequence: missense variant.
Genome position (GRCh38, 1-based): chr9:104,806,332, T>C on the plus strand (A>G on the coding strand, the complement: ABCA1 is on the minus strand). VCF-style: chr9-104806332-T-C. GRCh37 (hg19) VCF-style: chr9-107568613-T-C.
Other names: short protein forms N1458S.
Identifiers: ClinVar variation 2008957 (VCV002008957.4), dbSNP rs1830760886, ClinGen allele CA374315641.
Genomic context (GRCh38, chr9:104,806,332, plus strand): 5'-GGACACACAGGCAGCATCTTCTTGATTTTGTCGCTGCTACACTGGCATGCAGGTGAAGGG[T>C]TCTGCATTGTCCAGTTCCCATTCTGGAAGAGGTCCATGATGGTCTGGGGAACTGGGGCAG-3'
Protein context (NP_005493.2, residues 1448-1468): LFQNGNWTMQ[Asn1458Ser]PSPACQCSSD

ClinVar aggregate classification (germline): Uncertain significance (1 of 4 stars; one submission).

Allele frequency attached by ClinVar (database versions not stated): gnomAD exomes below 0.00001.

Submission:

Labcorp Genetics (formerly Invitae), Labcorp
Classification: Uncertain significance. Last evaluated: 2022-08-23. Review status: criteria provided, single submitter. Criteria: Invitae Variant Classification Sherloc (09022015). Collection method: clinical testing. Allele origin: germline.
Comment: This sequence change replaces asparagine, which is neutral and polar, with serine, which is neutral and polar, at codon 1458 of the ABCA1 protein (p.Asn1458Ser). In summary, the available evidence is currently insufficient to determine the role of this variant in disease. Therefore, it has been classified as a Variant of Uncertain Significance. Advanced modeling of protein sequence and biophysical properties (such as structural, functional, and spatial information, amino acid conservation, physicochemical variation, residue mobility, and thermodynamic stability) performed at Invitae indicates that this missense variant is not expected to disrupt ABCA1 protein function. This variant has not been reported in the literature in individuals affected with ABCA1-related conditions. This variant is not present in population databases (gnomAD no frequency).